The following is an entry in ClinVar:

ClinVar aggregate classification (germline): Conflicting classifications of pathogenicity. Review status: criteria provided, conflicting classifications (1 of 4 stars). 2 submissions from 2 submitters: Uncertain significance (1); Likely benign (1). Last evaluated 2025-06-12.

Conditions:
Inborn genetic diseases. Identifiers: MedGen C0950123, MeSH D030342.

Submissions (2):

Labcorp Genetics (formerly Invitae), Labcorp
Classification: Uncertain significance. Last evaluated: 2025-06-12. Review status: criteria provided, single submitter. Criteria: Invitae Variant Classification Sherloc (09022015). Collection method: clinical testing. Allele origin: germline.
Comment: This sequence change replaces serine, which is neutral and polar, with arginine, which is basic and polar, at codon 6 of the NSDHL protein (p.Ser6Arg). The frequency data for this variant in the population databases is considered unreliable, as metrics indicate poor data quality at this position in the gnomAD database. This variant has not been reported in the literature in individuals affected with NSDHL-related conditions. ClinVar contains an entry for this variant (Variation ID: 2144178). An algorithm developed to predict the effect of missense changes on protein structure and function outputs the following: PolyPhen-2: "Benign". The arginine amino acid residue is found in multiple mammalian species, which suggests that this missense change does not adversely affect protein function. In summary, the available evidence is currently insufficient to determine the role of this variant in disease. Therefore, it has been classified as a Variant of Uncertain Significance.

Ambry Genetics
Classification: Likely benign for Inborn genetic diseases. Last evaluated: 2025-01-20. Review status: criteria provided, single submitter. Criteria: Ambry Variant Classification Scheme 2023. Collection method: clinical testing. Allele origin: germline.

NM_015922.3(NSDHL):c.18C>G (p.Ser6Arg)

Gene: NSDHL (NAD(P) dependent 3-beta-hydroxysteroid dehydrogenase NSDHL; plus strand). Cytogenetic location: Xq28.
Variant type: single nucleotide variant.
Coding change: c.18C>G on transcript NM_015922.3 (MANE Select); coding-DNA position 18, C replaced by G.
Protein change: p.Ser6Arg; replaces serine 6 with arginine.
Molecular consequence: missense variant.
Genome position (GRCh38, 1-based): chrX:152,846,342, C>G. VCF-style: chrX-152846342-C-G. GRCh37 (hg19) VCF-style: chrX-152014886-C-G.
Other names: c.18C>G, p.Ser6Arg (NM_001129765.2); c.18C>G (NM_015922.2); short protein forms S6R.
Identifiers: ClinVar variation 2144178 (VCV002144178.5), dbSNP rs782233195, ClinGen allele CA10544689.